The following is an entry in ClinVar:

NM_001378120.1(MBD5):c.599G>A (p.Arg200Gln)

Gene: MBD5 (methyl-CpG binding domain protein 5; plus strand). Cytogenetic location: 2q23.1.
Variant type: single nucleotide variant.
Coding change: c.599G>A on transcript NM_001378120.1 (MANE Select); coding-DNA position 599, G replaced by A.
Protein change: p.Arg200Gln; replaces arginine 200 with glutamine.
Molecular consequence: missense variant.
Genome position (GRCh38, 1-based): chr2:148,468,542, G>A. VCF-style: chr2-148468542-G-A. GRCh37 (hg19) VCF-style: chr2-149226111-G-A.
Other names: c.599G>A, p.Arg200Gln (NM_018328.5); short protein forms R200Q.
Identifiers: ClinVar variation 199148 (VCV000199148.57), dbSNP rs149278000, ClinGen allele CA248195.

ClinVar aggregate classification (germline): Conflicting classifications of pathogenicity. Review status: criteria provided, conflicting classifications (1 of 4 stars). 10 submissions from 10 submitters: Uncertain significance (1); Benign (2); Likely benign (6). 1 of the submissions does not count toward it. Last evaluated 2025-11-28.

Conditions:
Inborn genetic diseases. Identifiers: MedGen C0950123, MeSH D030342.
developmental delay with intractable seizures.
Intellectual developmental disorder, autosomal dominant 1. Also called: MBD5 Haploinsufficiency; Intellectual disability, autosomal dominant 1. Identifiers: Orphanet 228402, MedGen C1969562, MONDO:0007974, OMIM 156200.

Allele frequency attached by ClinVar (database versions not stated): ESP Exome Variant Server 0.00015; 1000 Genomes Project 0.00020; gnomAD exomes 0.00020; TOPMed 0.00034; 1000 Genomes Project 30x 0.00062.
gnomAD v4.1: 575 of 1,613,830 alleles (0.036%); highest among the groups gnomAD compares: Non-Finnish European, 0.045%; no homozygotes.

Submissions (10):

Labcorp Genetics (formerly Invitae), Labcorp
Classification: Benign for Intellectual developmental disorder, autosomal dominant 1. Last evaluated: 2025-11-28. Review status: criteria provided, single submitter. Criteria: Invitae Variant Classification Sherloc (09022015). Collection method: clinical testing. Allele origin: germline.

CeGaT Center for Human Genetics Tuebingen
Classification: Likely benign. Last evaluated: 2025-05-01. Review status: criteria provided, single submitter. Criteria: CeGaT Center For Human Genetics Tuebingen Variant Classification Criteria Version 2. Collection method: clinical testing. Allele origin: germline. Affected: yes. Observed: 5 variant alleles.
Comment: MBD5: BS2

ARUP Laboratories, Molecular Genetics and Genomics, ARUP Laboratories
Classification: Likely benign for Intellectual developmental disorder, autosomal dominant 1. Last evaluated: 2025-03-20. Review status: criteria provided, single submitter. Criteria: ARUP Molecular Germline Variant Investigation Process 2024. Collection method: clinical testing. Allele origin: germline.

Laboratory of Genetics, Children's Clinical University Hospital Latvia
Classification: Likely benign. Last evaluated: 2025-02-16. Review status: criteria provided, single submitter. Criteria: ACMG Guidelines, 2015. Collection method: clinical testing. Allele origin: germline. Affected: yes.

Blueprint Genetics
Classification: Likely benign. Last evaluated: 2024-10-30. Review status: criteria provided, single submitter. Criteria: ACMG Guidelines, 2015. Collection method: clinical testing. Allele origin: germline.

Ambry Genetics
Classification: Likely benign for Inborn genetic diseases. Last evaluated: 2022-12-19. Review status: criteria provided, single submitter. Criteria: Ambry Variant Classification Scheme 2023. Collection method: clinical testing. Allele origin: germline.

Athena Diagnostics
Classification: Likely benign. Last evaluated: 2020-04-03. Review status: criteria provided, single submitter. Criteria: Athena Diagnostics Criteria. Collection method: clinical testing. Allele origin: unknown.

GeneDx
Classification: Benign. Last evaluated: 2019-12-04. Review status: criteria provided, single submitter. Criteria: GeneDx Variant Classification Process June 2021. Collection method: clinical testing. Allele origin: germline. Affected: yes.

Eurofins Ntd Llc (ga)
Classification: Uncertain significance. Last evaluated: 2018-07-27. Review status: criteria provided, single submitter. Criteria: EGL ClinVar v180209 classification definitions. Collection method: clinical testing. Allele origin: germline. Observed: 3 variant alleles, 3 heterozygotes.

Clinical Molecular Genetics Laboratory, Johns Hopkins All Children's Hospital
Classification: Uncertain significance for developmental delay with intractable seizures. Last evaluated: 2016-11-14. Review status: no assertion criteria provided. Collection method: clinical testing. Allele origin: germline. Affected: yes. Not counted in ClinVar's aggregate classification.